The following is an entry in ClinVar:

ClinVar aggregate classification (germline): Likely benign. Review status: criteria provided, multiple submitters, no conflicts (2 of 4 stars). 2 submissions from 2 submitters: Likely benign (2). Last evaluated 2025-06-03.

Conditions:
Birt-Hogg-Dube syndrome. Also called: Birt Hogg Dubé syndrome. Identifiers: Orphanet 122, MedGen C0346010, MONDO:0800444.
Birt-Hogg-Dube syndrome 1 (BHD1). Also called: FIBROFOLLICULOMAS WITH TRICHODISCOMAS AND ACROCHORDONS. Identifiers: Orphanet 122, MedGen CN375946, MONDO:0800445, OMIM 135150.

Allele frequency attached by ClinVar (database versions not stated): gnomAD exomes below 0.00001.
gnomAD v4.1: 4 of 1,532,944 alleles (0.00026%); highest among the groups gnomAD compares: Non-Finnish European, 0.00036%; no homozygotes.

Submissions (2):

Labcorp Genetics (formerly Invitae), Labcorp
Classification: Likely benign for Birt-Hogg-Dube syndrome. Last evaluated: 2025-06-03. Review status: criteria provided, single submitter. Criteria: Invitae Variant Classification Sherloc (09022015). Collection method: clinical testing. Allele origin: germline.

Myriad Genetics, Inc.
Classification: Likely benign for Birt-Hogg-Dube syndrome 1. Last evaluated: 2024-10-24. Review status: criteria provided, single submitter. Criteria: Myriad Autosomal Dominant, Autosomal Recessive and X-Linked Classification Criteria (2023). Collection method: clinical testing. Allele origin: unknown.
Comment: This variant is considered likely benign. This variant is intronic and is not expected to impact mRNA splicing.

NM_144997.7(FLCN):c.1063-16G>A

Gene: FLCN (folliculin; minus strand). Cytogenetic location: 17p11.2.
Variant type: single nucleotide variant.
Coding change: c.1063-16G>A on transcript NM_144997.7 (MANE Select); 16 bases into the intron before coding-DNA position 1063, G replaced by A.
Molecular consequence: intron variant.
Genome position (GRCh38, 1-based): chr17:17,217,198, C>T on the plus strand (G>A on the coding strand, the complement: FLCN is on the minus strand). VCF-style: chr17-17217198-C-T. GRCh37 (hg19) VCF-style: chr17-17120512-C-T.
Other names: c.1063-16G>A (NM_001353231.2, NM_001353230.2); c.1117-16G>A (NM_001353229.2).
Identifiers: ClinVar variation 1628467 (VCV001628467.9), dbSNP rs942279223, ClinGen allele CA288308157.
Genomic context (GRCh38, chr17:17,217,198, plus strand): 5'-GAGAACGTGCCAGGCCAGCATGCGGAAAGAAGGGGCACCCAGGACCTAAACAAGAGAGTG[C>T]AGTGCTTTCAGCGTGACTAGTAGAAATGGTTTTTCTCTCCCTTCCCATGAAGTTATTTGT-3'